The following is an entry in ClinVar:

NM_001609.4(ACADSB):c.*1920G>T

Gene: ACADSB (acyl-CoA dehydrogenase short/branched chain; plus strand). Cytogenetic location: 10q26.13.
Variant type: single nucleotide variant.
Coding change: c.*1920G>T on transcript NM_001609.4 (MANE Select); 1920 bases downstream of the stop codon, G replaced by T.
Molecular consequence: 3 prime UTR variant.
Genome position (GRCh38, 1-based): chr10:123,055,685, G>T. VCF-style: chr10-123055685-G-T. GRCh37 (hg19) VCF-style: chr10-124815201-G-T.
Other names: c.*1920G>T (NM_001330174.3).
Identifiers: ClinVar variation 299121 (VCV000299121.5), dbSNP rs141894735, ClinGen allele CA10635135.

ClinVar aggregate classification (germline): Likely benign (1 of 4 stars; one submission).

Conditions:
Deficiency of 2-methylbutyryl-CoA dehydrogenase (ACADSB). Also called: 2-methylbutyryl-CoA dehydrogenase deficiency; SBCAD deficiency; 2-methylbutyric aciduria; Short branched-chain acyl-CoA dehydrogenase deficiency; 2-methylbutyrylglycinuria. Identifiers: Orphanet 79157, MedGen C1864912, MONDO:0012392, OMIM 610006, HP:0020147.

Allele frequency attached by ClinVar (database versions not stated): TOPMed 0.00015; gnomAD 0.00016 and 0.00038; 1000 Genomes Project 30x 0.00234; 1000 Genomes Project 0.00260.

Submission:

Illumina Laboratory Services, Illumina
Classification: Likely benign for Deficiency of 2-methylbutyryl-CoA dehydrogenase. Last evaluated: 2018-01-13. Review status: criteria provided, single submitter. Criteria: ICSL Variant Classification Criteria 13 December 2019. Collection method: clinical testing. Allele origin: germline.
Comment: This variant was observed in the ICSL laboratory as part of a predisposition screen in an ostensibly healthy population. It had not been previously curated by ICSL or reported in the Human Gene Mutation Database (HGMD: prior to June 1st, 2018), and was therefore a candidate for classification through an automated scoring system. Utilizing variant allele frequency, disease prevalence and penetrance estimates, and inheritance mode, an automated score was calculated to assess if this variant is too frequent to cause the disease. Based on the score and internal cut-off values, a variant classified as likely benign is not then subjected to further curation. The score for this variant resulted in a classification of likely benign for this disease.